The following is an entry in ClinVar:

NM_004006.3(DMD):c.2489A>T (p.Asn830Ile)

Gene: DMD (dystrophin; minus strand). Cytogenetic location: Xp21.1.
Variant type: single nucleotide variant.
Coding change: c.2489A>T on transcript NM_004006.3 (MANE Select); coding-DNA position 2489, A replaced by T.
Protein change: p.Asn830Ile; replaces asparagine 830 with isoleucine.
Molecular consequence: missense variant.
Genome position (GRCh38, 1-based): chrX:32,491,410, T>A on the plus strand (A>T on the coding strand, the complement: DMD is on the minus strand). VCF-style: chrX-32491410-T-A. GRCh37 (hg19) VCF-style: chrX-32509527-T-A.
Other names: c.2489A>T (NM_004006.2); c.2465A>T, p.Asn822Ile (NM_000109.4); c.2477A>T, p.Asn826Ile (NM_004009.3); c.2120A>T, p.Asn707Ile (NM_004010.3); short protein forms N707I, N830I, N822I, N826I.
Identifiers: ClinVar variation 1520069 (VCV001520069.9), dbSNP rs2148631760, ClinGen allele CA412672480.

ClinVar aggregate classification (germline): Uncertain significance. Review status: criteria provided, single submitter (1 of 4 stars). 2 submissions from 2 submitters: Uncertain significance (1). 1 of the submissions does not count toward it. Last evaluated 2021-03-26.

Conditions:
Becker muscular dystrophy, Cardiomyopathy, Duchenne muscular dystrophy, Dystrophin deficiency.
Duchenne muscular dystrophy (DMD). Also called: MUSCULAR DYSTROPHY, PSEUDOHYPERTROPHIC PROGRESSIVE, DUCHENNE TYPE; Duchenne Muscular Dystrophy (DMD). Identifiers: Orphanet 98896, MedGen C0013264, MONDO:0010679, OMIM 310200.

Submissions (2):

Labcorp Genetics (formerly Invitae), Labcorp
Classification: Uncertain significance for Duchenne muscular dystrophy. Last evaluated: 2021-03-26. Review status: criteria provided, single submitter. Criteria: Invitae Variant Classification Sherloc (09022015). Collection method: clinical testing. Allele origin: germline.
Comment: This sequence change replaces asparagine with isoleucine at codon 830 of the DMD protein (p.Asn830Ile). The asparagine residue is moderately conserved and there is a large physicochemical difference between asparagine and isoleucine. This variant is not present in population databases (ExAC no frequency). This variant has not been reported in the literature in individuals with DMD-related conditions. Algorithms developed to predict the effect of missense changes on protein structure and function are either unavailable or do not agree on the potential impact of this missense change (SIFT: "Tolerated"; PolyPhen-2: "Probably Damaging"; Align-GVGD: "Class C0"). In summary, the available evidence is currently insufficient to determine the role of this variant in disease. Therefore, it has been classified as a Variant of Uncertain Significance.

Natera, Inc.
Classification: Uncertain significance for Becker muscular dystrophy, Cardiomyopathy, Duchenne muscular dystrophy, Dystrophin deficiency. Last evaluated: 2025-02-04. Review status: no assertion criteria provided. Collection method: clinical testing. Allele origin: germline. Not counted in ClinVar's aggregate classification.